The following is an entry in ClinVar:

ClinVar aggregate classification (germline): Conflicting classifications of pathogenicity. Review status: criteria provided, conflicting classifications (1 of 4 stars). 2 submissions from 2 submitters: Uncertain significance (1); Likely benign (1). Last evaluated 2026-07-01.

Allele frequency attached by ClinVar (database versions not stated): 1000 Genomes Project 0.00040; 1000 Genomes Project 30x 0.00047; ExAC 0.00054; gnomAD 0.00056; TOPMed 0.00063; ESP Exome Variant Server 0.00077; gnomAD exomes 0.00109.
gnomAD v4.1: 1,681 of 1,613,364 alleles (0.1%); highest among the groups gnomAD compares: Non-Finnish European, 0.13%; 2 homozygotes.

Submissions (2):

CeGaT Center for Human Genetics Tuebingen
Classification: Likely benign. Last evaluated: 2026-07-01. Review status: criteria provided, single submitter. Criteria: CeGaT Center For Human Genetics Tuebingen Variant Classification Criteria Version 2. Collection method: clinical testing. Allele origin: germline. Affected: yes. Observed: 1 variant allele.
Comment: MARK2: BP4, BS2

Ambry Genetics
Classification: Uncertain significance. Last evaluated: 2021-10-12. Review status: criteria provided, single submitter. Criteria: Ambry Variant Classification Scheme 2023. Collection method: clinical testing. Allele origin: germline.

NM_001039469.3(MARK2):c.1898G>A (p.Ser633Asn)

Gene: MARK2 (microtubule affinity regulating kinase 2; plus strand). Cytogenetic location: 11q13.1.
Variant type: single nucleotide variant.
Coding change: c.1898G>A on transcript NM_001039469.3 (MANE Select); coding-DNA position 1898, G replaced by A.
Protein change: p.Ser633Asn; replaces serine 633 with asparagine.
Molecular consequence: missense variant.
Genome position (GRCh38, 1-based): chr11:63,905,007, G>A. VCF-style: chr11-63905007-G-A. GRCh37 (hg19) VCF-style: chr11-63672479-G-A.
Other names: c.1733G>A, p.Ser578Asn (NM_001039468.1, NM_001163297.2, NM_004954.5); c.1736G>A, p.Ser579Asn (NM_001163296.2); c.1796G>A, p.Ser599Asn (NM_017490.4); short protein forms S578N, S633N, S599N, S579N.
Identifiers: ClinVar variation 2410854 (VCV002410854.3), dbSNP rs151049341, ClinGen allele CA6065797.
Genomic context (GRCh38, chr11:63,905,007, plus strand): 5'-ACGGTGTGACCCCAGCCTCTCCCTCTGGCCACAGCCAGGGCCGGCGGGGGGCCTCTGGGA[G>A]CATCTTCAGCAAGTTCACCTCCAAGTTTGTACGCAGGTAAGCAAGGAGCTTTGGGTGGCA-3'
Protein context (NP_001034558.2, residues 623-643): HSQGRRGASG[Ser633Asn]IFSKFTSKFV